The following is an entry in ClinVar:

ClinVar aggregate classification (germline): Uncertain significance. Review status: criteria provided, multiple submitters, no conflicts (2 of 4 stars). 3 submissions from 3 submitters: Uncertain significance (3). Last evaluated 2025-05-09.

Conditions:
Monocytopenia with susceptibility to infections. Also called: Dendritic cell, monocyte, B lymphocyte, and natural killer lymphocyte deficiency; MONOCYTOPENIA AND MYCOBACTERIAL INFECTION SYNDROME; MONOCYTOPENIA WITH SUSCEPTIBILITY TO MYCOBACTERIAL, FUNGAL, AND PAPILLOMAVIRUS INFECTIONS AND MYELODYSPLASIA; COMBINED IMMUNODEFICIENCY WITH SUSCEPTIBILITY TO MYCOBACTERIAL, VIRAL, AND FUNGAL INFECTIONS; IMMUNODEFICIENCY 21; GATA2 DEFICIENCY. Identifiers: Orphanet 228423, MedGen C3280030, MONDO:0013607, OMIM 614172.
Deafness-lymphedema-leukemia syndrome. Also called: Lymphedema, primary, with myelodysplasia; Emberger syndrome. Identifiers: Orphanet 3226, MedGen C3279664, MONDO:0013540, OMIM 614038.
Inborn genetic diseases. Identifiers: MedGen C0950123, MeSH D030342.

Allele frequency attached by ClinVar (database versions not stated): TOPMed below 0.00001; gnomAD 0.00001; 1000 Genomes Project 30x 0.00016; 1000 Genomes Project 0.00020.

Submissions (3):

GeneDx
Classification: Uncertain significance. Last evaluated: 2025-05-09. Review status: criteria provided, single submitter. Criteria: GeneDx Variant Classification Process June 2021. Collection method: clinical testing. Allele origin: germline. Affected: yes.
Comment: Not observed at significant frequency in large population cohorts (gnomAD); In silico analysis suggests that this missense variant does not alter protein structure/function; Has not been previously published as pathogenic or benign to our knowledge

Ambry Genetics
Classification: Uncertain significance for Inborn genetic diseases. Last evaluated: 2024-10-15. Review status: criteria provided, single submitter. Criteria: Ambry Variant Classification Scheme 2023. Collection method: clinical testing. Allele origin: germline.
Comment: The p.A68S variant (also known as c.202G>T), located in coding exon 1 of the GATA2 gene, results from a G to T substitution at nucleotide position 202. The alanine at codon 68 is replaced by serine, an amino acid with similar properties. This amino acid position is conserved. In addition, the in silico prediction for this alteration is inconclusive. Based on the available evidence, the clinical significance of this variant remains unclear.

Labcorp Genetics (formerly Invitae), Labcorp
Classification: Uncertain significance for Monocytopenia with susceptibility to infections; Deafness-lymphedema-leukemia syndrome. Last evaluated: 2024-01-30. Review status: criteria provided, single submitter. Criteria: Invitae Variant Classification Sherloc (09022015). Collection method: clinical testing. Allele origin: germline.
Comment: This sequence change replaces alanine, which is neutral and non-polar, with serine, which is neutral and polar, at codon 68 of the GATA2 protein (p.Ala68Ser). This variant is not present in population databases (gnomAD no frequency). This variant has not been reported in the literature in individuals affected with GATA2-related conditions. ClinVar contains an entry for this variant (Variation ID: 2418752). Advanced modeling of protein sequence and biophysical properties (such as structural, functional, and spatial information, amino acid conservation, physicochemical variation, residue mobility, and thermodynamic stability) has been performed at Invitae for this missense variant, however the output from this modeling did not meet the statistical confidence thresholds required to predict the impact of this variant on GATA2 protein function. In summary, the available evidence is currently insufficient to determine the role of this variant in disease. Therefore, it has been classified as a Variant of Uncertain Significance.

NM_032638.5(GATA2):c.202G>T (p.Ala68Ser)

Gene: GATA2 (GATA binding protein 2; minus strand). Cytogenetic location: 3q21.3.
Variant type: single nucleotide variant.
Coding change: c.202G>T on transcript NM_032638.5 (MANE Select); coding-DNA position 202, G replaced by T.
Protein change: p.Ala68Ser; replaces alanine 68 with serine.
Molecular consequence: missense variant.
Genome position (GRCh38, 1-based): chr3:128,486,830, C>A on the plus strand (G>T on the coding strand, the complement: GATA2 is on the minus strand). VCF-style: chr3-128486830-C-A. GRCh37 (hg19) VCF-style: chr3-128205673-C-A.
Other names: c.202G>T, p.Ala68Ser (NM_001145662.1, NM_001145661.2); short protein forms A68S.
Identifiers: ClinVar variation 2418752 (VCV002418752.8), dbSNP rs534541303, ClinGen allele CA83372373.
Genomic context (GRCh38, chr3:128,486,830, plus strand): 5'-CTGGGTTCTCATCACCACGGGCCCAGTGCTCACCGTGCGCGGGGCTGTAGGAGACGCGCG[C>A]CCGCGCGTGAGCGGGGTTGGCATAGTAGGGGTTGCCCTGCGAGTCGAGGTGATTGAAGAA-3'
Protein context (NP_116027.2, residues 58-78): PYYANPAHAR[Ala68Ser]RVSYSPAHAR